The following is an entry in ClinVar:

NM_032043.3(BRIP1):c.3156A>G (p.Lys1052=)

Gene: BRIP1 (BRCA1 interacting DNA helicase 1; minus strand). Cytogenetic location: 17q23.2.
Variant type: single nucleotide variant.
Coding change: c.3156A>G on transcript NM_032043.3 (MANE Select); coding-DNA position 3156, A replaced by G.
Protein change: p.Lys1052=; no amino-acid change (lysine 1052 retained).
Molecular consequence: synonymous variant.
Genome position (GRCh38, 1-based): chr17:61,683,890, T>C on the plus strand (A>G on the coding strand, the complement: BRIP1 is on the minus strand). VCF-style: chr17-61683890-T-C. GRCh37 (hg19) VCF-style: chr17-59761251-T-C.
Identifiers: ClinVar variation 3378606 (VCV003378606.1).
Genomic context (GRCh38, chr17:61,683,890, plus strand): 5'-GGTTTCTGATTGAGGGCATGATCCAAACGATGTGTTTACTGTCAGATTTGAGGATTCACA[T>C]TTATCAGTGAAGGGCAAAACAGTTTTACTTTCCATCTTCTCTGTTTTGAAACGGGGAGGA-3'
Protein context (NP_114432.2, residues 1042-1062): ESKTVLPFTD[Lys1052=]CESSNLTVNT

ClinVar aggregate classification (germline): Benign (1 of 4 stars; one submission).

Conditions:
Familial cancer of breast. Also called: hereditary breast carcinoma; Hereditary breast cancer; BREAST CANCER, FAMILIAL. Identifiers: Orphanet 227535, MedGen C0346153, MONDO:0016419, OMIM 114480. Disease mechanism: loss of function.

Submission:

Myriad Genetics, Inc.
Classification: Benign for Familial cancer of breast. Last evaluated: 2024-09-09. Review status: criteria provided, single submitter. Criteria: Myriad Autosomal Dominant, Autosomal Recessive and X-Linked Classification Criteria (2023). Collection method: clinical testing. Allele origin: unknown.
Comment: This variant is considered benign. This variant is a silent/synonymous amino acid change and it is not expected to impact splicing.